The following is an entry in ClinVar:

NM_000238.4(KCNH2):c.719C>T (p.Pro240Leu)

Gene: KCNH2 (potassium voltage-gated channel subfamily H member 2; minus strand). Cytogenetic location: 7q36.1.
Variant type: single nucleotide variant.
Coding change: c.719C>T on transcript NM_000238.4 (MANE Select); coding-DNA position 719, C replaced by T.
Protein change: p.Pro240Leu; replaces proline 240 with leucine.
Molecular consequence: missense variant.
Genome position (GRCh38, 1-based): chr7:150,958,256, G>A on the plus strand (C>T on the coding strand, the complement: KCNH2 is on the minus strand). VCF-style: chr7-150958256-G-A. GRCh37 (hg19) VCF-style: chr7-150655344-G-A.
Other names: p.P240L:CCG>CTG; c.431C>T, p.Pro144Leu (NM_001406753.1, NM_001406756.1); c.542C>T, p.Pro181Leu (NM_001406755.1); c.419C>T, p.Pro140Leu (NM_001406757.1); c.719C>T, p.Pro240Leu (NM_172056.3); short protein forms P240L, P144L, P181L, P140L.
Identifiers: ClinVar variation 200299 (VCV000200299.11), dbSNP rs794728359, ClinGen allele CA008703.

ClinVar aggregate classification (germline): Uncertain significance. Review status: criteria provided, multiple submitters, no conflicts (2 of 4 stars). 2 submissions from 2 submitters: Uncertain significance (2). Last evaluated 2025-11-05.

Conditions:
Long QT syndrome (LQTS). Identifiers: MedGen C0023976, MeSH D008133, MONDO:0002442. Disease mechanism: loss of function. Inheritance: Various modes of inheritance.

Allele frequency attached by ClinVar (database versions not stated): gnomAD 0.00001; gnomAD exomes 0.00001; TOPMed 0.00004.

Submissions (2):

Labcorp Genetics (formerly Invitae), Labcorp
Classification: Uncertain significance for Long QT syndrome. Last evaluated: 2025-11-05. Review status: criteria provided, single submitter. Criteria: Invitae Variant Classification Sherloc (09022015). Collection method: clinical testing. Allele origin: germline.
Comment: This sequence change replaces proline, which is neutral and non-polar, with leucine, which is neutral and non-polar, at codon 240 of the KCNH2 protein (p.Pro240Leu). This variant is present in population databases (rs794728359, gnomAD 0.01%). This variant has not been reported in the literature in individuals affected with KCNH2-related conditions. ClinVar contains an entry for this variant (Variation ID: 200299). An algorithm developed to predict the effect of missense changes on protein structure and function outputs the following: PolyPhen-2: "Benign". The leucine amino acid residue is found in multiple mammalian species, which suggests that this missense change does not adversely affect protein function. In summary, the available evidence is currently insufficient to determine the role of this variant in disease. Therefore, it has been classified as a Variant of Uncertain Significance.

GeneDx
Classification: Uncertain significance. Last evaluated: 2014-05-30. Review status: criteria provided, single submitter. Criteria: GeneDx Variant Classification (06012015). Collection method: clinical testing. Allele origin: germline. Affected: yes.
Comment: p.Pro240Leu (CCG>CTG): c.719 C>T in exon 4 of the KCNH2 gene (NM_000238.2). The P240L variant has not been published as a mutation, nor has it been reported as a benign polymorphism to our knowledge. The P240L variant was not observed in approximately 4500 individuals of European and African American ancestry in the NHLBI Exome Sequencing Project, indicating it is not a common benign variant in these populations. Missense mutations in nearby residues (G238S, P241L, R242G, ) have been reported in association with LQTS, supporting the functional importance of this region of the protein. However, the P240L variant is a conservative amino acid substitution, which is not likely to impact secondary protein structure as these residues share similar properties. This substitution occurs at a position that is not well conserved across species. In silico analysis predicts this variant likely does not alter the protein structure/function. Therefore, based on the currently available information, it is unclear whether this variant is a pathogenic mutation or a rare benign variant. The variant is found in ARRHYTHMIA panel(s).